The following is an entry in ClinVar:

NM_001161352.2(KCNMA1):c.225G>A (p.Met75Ile)

Gene: KCNMA1 (potassium calcium-activated channel subfamily M alpha 1; minus strand). Cytogenetic location: 10q22.3.
Variant type: single nucleotide variant.
Coding change: c.225G>A on transcript NM_001161352.2 (MANE Select); coding-DNA position 225, G replaced by A.
Protein change: p.Met75Ile; replaces methionine 75 with isoleucine.
Molecular consequence: missense variant.
Genome position (GRCh38, 1-based): chr10:77,637,418, C>T on the plus strand (G>A on the coding strand, the complement: KCNMA1 is on the minus strand). VCF-style: chr10-77637418-C-T. GRCh37 (hg19) VCF-style: chr10-79397176-C-T.
Other names: c.225G>A, p.Met75Ile (NM_001014797.3, NM_001161353.2, NM_001271518.2 and 12 more transcripts); c.225G>A (NM_002247.3); short protein forms M75I.
Identifiers: ClinVar variation 1400175 (VCV001400175.7), dbSNP rs1464796627, ClinGen allele CA377412510.

ClinVar aggregate classification (germline): Uncertain significance. Review status: criteria provided, multiple submitters, no conflicts (2 of 4 stars). 2 submissions from 2 submitters: Uncertain significance (2). Last evaluated 2024-12-23.

Conditions:
Generalized epilepsy-paroxysmal dyskinesia syndrome (PNKD3). Also called: Generalized epilepsy and paroxysmal dyskinesia; Paroxysmal nonkinesigenic dyskinesia, 3, with or without generalized epilepsy. Identifiers: Orphanet 79137, MedGen C5574945, MONDO:0012276, OMIM 609446.
Inborn genetic diseases. Identifiers: MedGen C0950123, MeSH D030342.

Allele frequency attached by ClinVar (database versions not stated): gnomAD exomes below 0.00001.
gnomAD v4.1: 1 of 1,613,816 alleles (0.000062%); highest among the groups gnomAD compares: Admixed American, 0.0017%; no homozygotes.

Submissions (2):

Ambry Genetics
Classification: Uncertain significance for Inborn genetic diseases. Last evaluated: 2024-12-23. Review status: criteria provided, single submitter. Criteria: Ambry Variant Classification Scheme 2023. Collection method: clinical testing. Allele origin: germline.

Labcorp Genetics (formerly Invitae), Labcorp
Classification: Uncertain significance for Generalized epilepsy-paroxysmal dyskinesia syndrome. Last evaluated: 2022-07-05. Review status: criteria provided, single submitter. Criteria: Invitae Variant Classification Sherloc (09022015). Collection method: clinical testing. Allele origin: germline.
Comment: In summary, the available evidence is currently insufficient to determine the role of this variant in disease. Therefore, it has been classified as a Variant of Uncertain Significance. Algorithms developed to predict the effect of sequence changes on RNA splicing suggest that this variant may create or strengthen a splice site. Algorithms developed to predict the effect of missense changes on protein structure and function are either unavailable or do not agree on the potential impact of this missense change (SIFT: "Deleterious"; PolyPhen-2: "Benign"; Align-GVGD: "Class C0"). ClinVar contains an entry for this variant (Variation ID: 1400175). This variant has not been reported in the literature in individuals affected with KCNMA1-related conditions. This sequence change replaces methionine, which is neutral and non-polar, with isoleucine, which is neutral and non-polar, at codon 75 of the KCNMA1 protein (p.Met75Ile). This variant is present in population databases (no rsID available, gnomAD 0.003%).